The following is an entry in ClinVar:

NM_002474.3(MYH11):c.4674G>A (p.Thr1558=)

Genes: MYH11 (myosin heavy chain 11; minus strand), NDE1 (nudE neurodevelopment protein 1; plus strand). Cytogenetic location: 16p13.11.
Variant type: single nucleotide variant.
Coding change: c.4674G>A on transcript NM_002474.3 (MANE Select); coding-DNA position 4674, G replaced by A.
Protein change: p.Thr1558=; no amino-acid change (threonine 1558 retained).
Molecular consequence: synonymous variant. On other transcripts: intron variant (2).
Genome position (GRCh38, 1-based): chr16:15,720,956, C>T on the plus strand (G>A on the coding strand, the complement: MYH11 is on the minus strand). VCF-style: chr16-15720956-C-T. GRCh37 (hg19) VCF-style: chr16-15814813-C-T.
Other names: c.4695G>A, p.Thr1565= (NM_001040113.2, NM_001040114.2); c.4674G>A, p.Thr1558= (NM_022844.3); c.948-3235C>T (NM_001143979.2, NM_017668.3).
Identifiers: ClinVar variation 465738 (VCV000465738.14), dbSNP rs778499852, ClinGen allele CA7921588.

ClinVar aggregate classification (germline): Likely benign. Review status: criteria provided, multiple submitters, no conflicts (2 of 4 stars). 6 submissions from 6 submitters: Likely benign (6). Last evaluated 2025-12-28.

Conditions:
Aortic aneurysm, familial thoracic 4 (AAT4). Also called: AORTIC ANEURYSM/AORTIC DISSECTION AND PATENT DUCTUS ARTERIOSUS. Identifiers: MedGen C1851504, MONDO:0007568, OMIM 132900.
Familial thoracic aortic aneurysm and aortic dissection (TAAD). Also called: Thoracic aortic aneurysms and dissections. Identifiers: Orphanet 91387, MedGen C4707243, MONDO:0019625.

Allele frequency attached by ClinVar (database versions not stated): gnomAD exomes below 0.00001; ExAC 0.00001; gnomAD 0.00001; TOPMed 0.00001.
gnomAD v4.1: 8 of 1,613,940 alleles (0.0005%); highest among the groups gnomAD compares: East Asian, 0.0045%; no homozygotes.

Submissions (6):

Labcorp Genetics (formerly Invitae), Labcorp
Classification: Likely benign for Aortic aneurysm, familial thoracic 4. Last evaluated: 2025-12-28. Review status: criteria provided, single submitter. Criteria: Invitae Variant Classification Sherloc (09022015). Collection method: clinical testing. Allele origin: germline.

All of Us Research Program, National Institutes of Health
Classification: Likely benign for Familial thoracic aortic aneurysm and aortic dissection. Last evaluated: 2023-09-17. Review status: criteria provided, single submitter. Criteria: ACMG Guidelines, 2015. Collection method: clinical testing. Allele origin: germline. Inheritance: Autosomal dominant inheritance. Observed: 1 variant allele, 1 heterozygote.
Comment: This study involves interpretation of variants in research participants for the purpose of population health screening. Participant phenotype was not available at the time of variant classification. Additional details can be found in publication PMID: 35346344, PMCID: PMC8962531

Ambry Genetics
Classification: Likely benign for Familial thoracic aortic aneurysm and aortic dissection. Last evaluated: 2022-07-06. Review status: criteria provided, single submitter. Criteria: Ambry Variant Classification Scheme 2023. Collection method: clinical testing. Allele origin: germline.

Blueprint Genetics
Classification: Likely benign. Last evaluated: 2022-06-29. Review status: criteria provided, single submitter. Criteria: ACMG Guidelines, 2015. Collection method: clinical testing. Allele origin: germline.

Color Diagnostics, LLC DBA Color Health
Classification: Likely benign for Familial thoracic aortic aneurysm and aortic dissection. Last evaluated: 2019-07-09. Review status: criteria provided, single submitter. Criteria: ACMG Guidelines, 2015. Collection method: clinical testing. Allele origin: germline.

GeneDx
Classification: Likely benign. Last evaluated: 2017-01-30. Review status: criteria provided, single submitter. Criteria: GeneDx Variant Classification (06012015). Collection method: clinical testing. Allele origin: germline. Affected: yes.
Comment: This variant is considered likely benign or benign based on one or more of the following criteria: it is a conservative change, it occurs at a poorly conserved position in the protein, it is predicted to be benign by multiple in silico algorithms, and/or has population frequency not consistent with disease.